The following is an entry in ClinVar:

ClinVar aggregate classification (germline): Uncertain significance (1 of 4 stars; one submission).

Submission:

GeneDx
Classification: Uncertain significance. Last evaluated: 2025-07-30. Review status: criteria provided, single submitter. Criteria: GeneDx Variant Classification Process June 2021. Collection method: clinical testing. Allele origin: germline. Affected: yes.
Comment: Not observed at significant frequency in large population cohorts (gnomAD); In silico analysis suggests that this missense variant does not alter protein structure/function; Has not been previously published as pathogenic or benign to our knowledge

NM_022356.4(P3H1):c.872G>C (p.Ser291Thr)

Gene: P3H1 (prolyl 3-hydroxylase 1; minus strand). Cytogenetic location: 1p34.2.
Variant type: single nucleotide variant.
Coding change: c.872G>C on transcript NM_022356.4 (MANE Select); coding-DNA position 872, G replaced by C.
Protein change: p.Ser291Thr; replaces serine 291 with threonine.
Molecular consequence: missense variant.
Genome position (GRCh38, 1-based): chr1:42,758,920, C>G on the plus strand (G>C on the coding strand, the complement: P3H1 is on the minus strand). VCF-style: chr1-42758920-C-G. GRCh37 (hg19) VCF-style: chr1-43224591-C-G.
Other names: c.872G>C, p.Ser291Thr (NM_001146289.2, NM_001243246.2); short protein forms S291T.
Identifiers: ClinVar variation 4690096 (VCV004690096.1).
Genomic context (GRCh38, chr1:42,758,920, plus strand): 5'-TAGGCAAACTGCAGATAATTATAATGCGATGGGAGGAAGTCTTCAAAGGGCTTCTCTCGA[C>G]TTGGGTGGGAAGCAAGCTCCGTGACACAGTTCTGCTTACAGTTGAGGACCTGGATGTAAT-3'
Protein context (NP_071751.3, residues 281-301): NCVTELASHP[Ser291Thr]REKPFEDFLP